The following is an entry in ClinVar:

ClinVar aggregate classification (germline): Likely pathogenic (1 of 4 stars; one submission).

Conditions:
Supravalvar aortic stenosis (SVAS). Also called: Supravalvar aortic stenosis, Eisenberg type. Identifiers: Orphanet 3193, MedGen C0003499, MONDO:0008504, OMIM 185500, HP:0004381.

Submission:

Victorian Clinical Genetics Services, Murdoch Childrens Research Institute
Classification: Likely pathogenic for Supravalvar aortic stenosis. Last evaluated: 2024-10-11. Review status: criteria provided, single submitter. Criteria: ACMG Guidelines, 2015. Collection method: clinical testing. Allele origin: germline. Inheritance: Autosomal dominant inheritance. Affected: yes.
Comment: Based on the classification scheme VCGS_Germline_v1.3.5, this variant is classified as Likely pathogenic. Following criteria are met: 0103 - Dominant negative is suggested and loss of function is a known mechanism of disease in this gene and are associated with autosomal dominant cutis laxa (ADCL; MIM#123700), and supravalvar aortic stenosis (SVAS; MIM#185500), respectively (PMID: 29501665). (I) 0107 - This gene is associated with autosomal dominant disease. (I) 0112 - The condition associated with this gene has incomplete penetrance (PMIDs: 19844261, 10942104, 31577255). (I) 0115 - Variants in this gene are known to have variable expressivity. Parents carriers have been reported with a milder presentation (PMIDs: 10942104, 31577255). (I) 0206 - Variant is predicted to result in a loss of the canonical translation initiation codon (ATG). (SP) 0251 - This variant is heterozygous. (I) 0301 - Variant is absent from gnomAD (v2, v3 and v4). (SP) 0703 - Another start loss variant comparable to the one identified in this case has moderate previous evidence for pathogenicity. c.1A>G; p.(Met1Val) has been reported once as pathogenic in ClinVar by a clinical laboratory, and reported in the literature in a family with supravalvular aortic stenosis (PMID: 10942104). (SP) 0802 - This variant has moderate previous evidence of pathogenicity in unrelated individuals. c.2T>C; (p.Met1Thr) affects the same nucleotide and results in the loss of the start codon. This variant has been reported twice as pathogenic and once as likely pathogenic by clinical laboratories in ClinVar, and has been observed in a father and son affected with supravalvular aortic stenosis (PMID: 22740173). (SP) 1007 - No published functional evidence has been identified for this variant. (I) Legend: (SP) - Supporting pathogenic, (I) - Information, (SB) - Supporting benign

Literature cited by the submitters: PubMed 10942104; PubMed 19844261; PubMed 22740173; PubMed 29501665; PubMed 31577255.

NM_000501.4(ELN):c.2T>A (p.Met1Lys)

Gene: ELN (elastin; plus strand). Cytogenetic location: 7q11.23.
Variant type: single nucleotide variant.
Coding change: c.2T>A on transcript NM_000501.4 (MANE Select); coding-DNA position 2, T replaced by A.
Protein change: p.Met1Lys; changes the start codon (methionine 1).
Molecular consequence: missense variant, initiator codon variant.
Genome position (GRCh38, 1-based): chr7:74,028,189, T>A. VCF-style: chr7-74028189-T-A. GRCh37 (hg19) VCF-style: chr7-73442519-T-A.
Other names: c.2T>A, p.Met1Lys (NM_001081752.3, NM_001081753.3, NM_001081754.3 and 9 more transcripts); short protein forms M1K.
Identifiers: ClinVar variation 3377152 (VCV003377152.1).